The following is an entry in ClinVar:

ClinVar aggregate classification (germline): Uncertain significance (1 of 4 stars; one submission).

Submission:

Labcorp Genetics (formerly Invitae), Labcorp
Classification: Uncertain significance. Last evaluated: 2025-10-04. Review status: criteria provided, single submitter. Criteria: Invitae Variant Classification Sherloc (09022015). Collection method: clinical testing. Allele origin: germline.
Comment: This sequence change replaces alanine, which is neutral and non-polar, with methionine, which is neutral and non-polar, at codon 202 of the IRF2BP2 protein (p.Ala202Met). Information on the frequency of this variant in the gnomAD database is not available, as this variant may be reported differently in the database. This variant has not been reported in the literature in individuals affected with IRF2BP2-related conditions. An algorithm developed to predict the effect of missense changes on protein structure and function (PolyPhen-2) suggests that this variant is likely to be disruptive. In summary, the available evidence is currently insufficient to determine the role of this variant in disease. Therefore, it has been classified as a Variant of Uncertain Significance.

NM_182972.3(IRF2BP2):c.604_605delinsAT (p.Ala202Met)

Genes: IRF2BP2 (interferon regulatory factor 2 binding protein 2; minus strand), LOC129932811 (ATAC-STARR-seq lymphoblastoid silent region 1976; plus strand). Cytogenetic location: 1q42.3.
Variant type: Indel.
Coding change: c.604_605delinsAT on transcript NM_182972.3 (MANE Select); coding-DNA positions 604 to 605, GC replaced by AT.
Protein change: p.Ala202Met; replaces alanine 202 with methionine.
Molecular consequence: missense variant.
Genome position (GRCh38, 1-based): chr1:234,608,890-234,608,891, GC replaced by AT on the plus strand (GC replaced by AT on the coding strand, the reverse complement: IRF2BP2 is on the minus strand). VCF-style: chr1-234608890-GC-AT. GRCh37 (hg19) VCF-style: chr1-234744636-GC-AT.
Other names: c.604_605delinsAT, p.Ala202Met (NM_001077397.1); short protein forms A202M.
Identifiers: ClinVar variation 4803450 (VCV004803450.1).